The following is an entry in ClinVar:

ClinVar aggregate classification (germline): Uncertain significance. Review status: criteria provided, multiple submitters, no conflicts (2 of 4 stars). 2 submissions from 2 submitters: Uncertain significance (2). Last evaluated 2025-12-04.

Conditions:
Inborn genetic diseases. Identifiers: MedGen C0950123, MeSH D030342.

Allele frequency attached by ClinVar (database versions not stated): TOPMed below 0.00001; gnomAD 0.00001; gnomAD exomes 0.00001.
gnomAD v4.1: 6 of 1,595,472 alleles (0.00038%); highest among the groups gnomAD compares: Non-Finnish European, 0.00051%; no homozygotes.

Submissions (2):

Ambry Genetics
Classification: Uncertain significance for Inborn genetic diseases. Last evaluated: 2025-12-04. Review status: criteria provided, single submitter. Criteria: Ambry Variant Classification Scheme 2023. Collection method: clinical testing. Allele origin: germline.

Labcorp Genetics (formerly Invitae), Labcorp
Classification: Uncertain significance. Last evaluated: 2022-02-04. Review status: criteria provided, single submitter. Criteria: Invitae Variant Classification Sherloc (09022015). Collection method: clinical testing. Allele origin: germline.
Comment: In summary, the available evidence is currently insufficient to determine the role of this variant in disease. Therefore, it has been classified as a Variant of Uncertain Significance. Algorithms developed to predict the effect of missense changes on protein structure and function output the following: SIFT: "Tolerated"; PolyPhen-2: "Benign"; Align-GVGD: "Class C0". The isoleucine amino acid residue is found in multiple mammalian species, which suggests that this missense change does not adversely affect protein function. This variant has not been reported in the literature in individuals affected with FAR1-related conditions. This variant is not present in population databases (gnomAD no frequency). This sequence change replaces valine, which is neutral and non-polar, with isoleucine, which is neutral and non-polar, at codon 189 of the FAR1 protein (p.Val189Ile).

NM_032228.6(FAR1):c.565G>A (p.Val189Ile)

Gene: FAR1 (fatty acyl-CoA reductase 1; plus strand). Cytogenetic location: 11p15.3.
Variant type: single nucleotide variant.
Coding change: c.565G>A on transcript NM_032228.6 (MANE Select); coding-DNA position 565, G replaced by A.
Protein change: p.Val189Ile; replaces valine 189 with isoleucine.
Molecular consequence: missense variant.
Genome position (GRCh38, 1-based): chr11:13,710,712, G>A. VCF-style: chr11-13710712-G-A. GRCh37 (hg19) VCF-style: chr11-13732259-G-A.
Other names: c.565G>A (NM_032228.5); short protein forms V189I.
Identifiers: ClinVar variation 1480599 (VCV001480599.7), dbSNP rs929074516, ClinGen allele CA218130734.